The following is an entry in ClinVar:

ClinVar aggregate classification (germline): Uncertain significance (1 of 4 stars; one submission).

Conditions:
Glucose-6-phosphate transport defect (GSD1B). Also called: Glycogen Storage Disease Type Ib; GSD Ib. Identifiers: Orphanet 364, Orphanet 79259, MedGen C0268146, MONDO:0009288, OMIM 232220.

Submission:

Labcorp Genetics (formerly Invitae), Labcorp
Classification: Uncertain significance for Glucose-6-phosphate transport defect. Last evaluated: 2024-08-20. Review status: criteria provided, single submitter. Criteria: Invitae Variant Classification Sherloc (09022015). Collection method: clinical testing. Allele origin: germline.
Comment: This sequence change replaces serine, which is neutral and polar, with asparagine, which is neutral and polar, at codon 75 of the SLC37A4 protein (p.Ser75Asn). This variant is not present in population databases (gnomAD no frequency). This variant has not been reported in the literature in individuals affected with SLC37A4-related conditions. Invitae Evidence Modeling of protein sequence and biophysical properties (such as structural, functional, and spatial information, amino acid conservation, physicochemical variation, residue mobility, and thermodynamic stability) indicates that this missense variant is not expected to disrupt SLC37A4 protein function with a negative predictive value of 80%. In summary, the available evidence is currently insufficient to determine the role of this variant in disease. Therefore, it has been classified as a Variant of Uncertain Significance.

NM_001164277.2(SLC37A4):c.224G>A (p.Ser75Asn)

Gene: SLC37A4 (solute carrier family 37 member 4; minus strand). Cytogenetic location: 11q23.3.
Variant type: single nucleotide variant.
Coding change: c.224G>A on transcript NM_001164277.2 (MANE Select); coding-DNA position 224, G replaced by A.
Protein change: p.Ser75Asn; replaces serine 75 with asparagine.
Molecular consequence: missense variant.
Genome position (GRCh38, 1-based): chr11:119,028,351, C>T on the plus strand (G>A on the coding strand, the complement: SLC37A4 is on the minus strand). VCF-style: chr11-119028351-C-T. GRCh37 (hg19) VCF-style: chr11-118899061-C-T.
Other names: c.224G>A, p.Ser75Asn (NM_001164278.2, NM_001164280.2, NM_001467.6); c.5G>A, p.Ser2Asn (NM_001164279.2); short protein forms S75N, S2N.
Identifiers: ClinVar variation 3706891 (VCV003706891.2).